The following is an entry in ClinVar:

NM_004655.4(AXIN2):c.1213G>C (p.Glu405Gln)

Gene: AXIN2 (axin 2; minus strand). Cytogenetic location: 17q24.1.
Variant type: single nucleotide variant.
Coding change: c.1213G>C on transcript NM_004655.4 (MANE Select); coding-DNA position 1213, G replaced by C.
Protein change: p.Glu405Gln; replaces glutamic acid 405 with glutamine.
Molecular consequence: missense variant.
Genome position (GRCh38, 1-based): chr17:65,537,823, C>G on the plus strand (G>C on the coding strand, the complement: AXIN2 is on the minus strand). VCF-style: chr17-65537823-C-G. GRCh37 (hg19) VCF-style: chr17-63533941-C-G.
Other names: c.1213G>C, p.Glu405Gln (NM_001363813.1); short protein forms E405Q.
Identifiers: ClinVar variation 1009224 (VCV001009224.8), dbSNP rs2043963146, ClinGen allele CA400677951.

ClinVar aggregate classification (germline): Uncertain significance (1 of 4 stars; one submission).

Conditions:
Oligodontia-cancer predisposition syndrome. Also called: TOOTH AGENESIS-COLORECTAL CANCER SYNDROME. Identifiers: Orphanet 300576, MedGen C1837750, MONDO:0012075, OMIM 608615. Disease mechanism: loss of function.

Submission:

Labcorp Genetics (formerly Invitae), Labcorp
Classification: Uncertain significance for Oligodontia-cancer predisposition syndrome. Last evaluated: 2020-08-02. Review status: criteria provided, single submitter. Criteria: Invitae Variant Classification Sherloc (09022015). Collection method: clinical testing. Allele origin: germline.
Comment: In summary, the available evidence is currently insufficient to determine the role of this variant in disease. Therefore, it has been classified as a Variant of Uncertain Significance. Algorithms developed to predict the effect of missense changes on protein structure and function (SIFT, PolyPhen-2, Align-GVGD) all suggest that this variant is likely to be tolerated, but these predictions have not been confirmed by published functional studies and their clinical significance is uncertain. This variant has not been reported in the literature in individuals with AXIN2-related conditions. This variant is not present in population databases (ExAC no frequency). This sequence change replaces glutamic acid with glutamine at codon 405 of the AXIN2 protein (p.Glu405Gln). The glutamic acid residue is highly conserved and there is a small physicochemical difference between glutamic acid and glutamine.